The following is an entry in ClinVar:

ClinVar aggregate classification (germline): Uncertain significance (1 of 4 stars; one submission).

gnomAD v4.1: 10 of 1,614,194 alleles (0.00062%); highest among the groups gnomAD compares: East Asian, 0.022%; no homozygotes.

Submission:

GeneDx
Classification: Uncertain significance. Last evaluated: 2024-12-09. Review status: criteria provided, single submitter. Criteria: GeneDx Variant Classification Process June 2021. Collection method: clinical testing. Allele origin: germline. Affected: yes.
Comment: In silico analysis indicates that this missense variant does not alter protein structure/function; Has not been previously published as pathogenic or benign to our knowledge

NM_004817.4(TJP2):c.3250A>C (p.Ile1084Leu)

Gene: TJP2 (tight junction protein 2; plus strand). Cytogenetic location: 9q21.11.
Variant type: single nucleotide variant.
Coding change: c.3250A>C on transcript NM_004817.4 (MANE Select); coding-DNA position 3250, A replaced by C.
Protein change: p.Ile1084Leu; replaces isoleucine 1084 with leucine.
Molecular consequence: missense variant. On other transcripts: intron variant (3).
Genome position (GRCh38, 1-based): chr9:69,251,293, A>C. VCF-style: chr9-69251293-A-C. GRCh37 (hg19) VCF-style: chr9-71866209-A-C.
Other names: c.3151A>C, p.Ile1051Leu (NM_001170415.1); c.3343A>C, p.Ile1115Leu (NM_001170416.2); c.3175A>C, p.Ile1059Leu (NM_001369870.1); c.3181A>C, p.Ile1061Leu (NM_001369871.1); c.3139A>C, p.Ile1047Leu (NM_001369872.1); c.2926A>C, p.Ile976Leu (NM_001369873.1); c.3262A>C, p.Ile1088Leu (NM_001369875.1); c.2812-1522A>C (NM_001170414.2); and 2 more; short protein forms I1047L, I1051L, I1059L, I1061L, I1084L, I1088L, I1115L, I976L.
Identifiers: ClinVar variation 3372490 (VCV003372490.2).